The following is an entry in ClinVar:

NM_020975.6(RET):c.1348A>G (p.Ser450Gly)

Gene: RET (ret proto-oncogene; plus strand). Cytogenetic location: 10q11.21.
Variant type: single nucleotide variant.
Coding change: c.1348A>G on transcript NM_020975.6 (MANE Select); coding-DNA position 1348, A replaced by G.
Protein change: p.Ser450Gly; replaces serine 450 with glycine.
Molecular consequence: missense variant.
Genome position (GRCh38, 1-based): chr10:43,111,291, A>G. VCF-style: chr10-43111291-A-G. GRCh37 (hg19) VCF-style: chr10-43606739-A-G.
Other names: c.1348A>G, p.Ser450Gly (NM_000323.2, NM_001406743.1, NM_001406744.1 and 6 more transcripts); c.586A>G, p.Ser196Gly (NM_001355216.2); c.1219A>G, p.Ser407Gly (NM_001406761.1, NM_001406762.1, NM_001406764.1 and 1 more transcripts); c.1060A>G, p.Ser354Gly (NM_001406766.1, NM_001406767.1, NM_001406770.1); c.952A>G, p.Ser318Gly (NM_001406769.1, NM_001406772.1); c.910A>G, p.Ser304Gly (NM_001406771.1, NM_001406773.1); c.823A>G, p.Ser275Gly (NM_001406774.1); c.622A>G, p.Ser208Gly (NM_001406775.1, NM_001406776.1, NM_001406777.1 and 1 more transcripts); and 1 more; short protein forms S450G, S196G, S318G, S354G, S120G, S304G, S407G, S208G.
Identifiers: ClinVar variation 1040021 (VCV001040021.9), dbSNP rs1837916996, ClinGen allele CA376549138.

ClinVar aggregate classification (germline): Uncertain significance. Review status: criteria provided, multiple submitters, no conflicts (2 of 4 stars). 2 submissions from 2 submitters: Uncertain significance (2). Last evaluated 2025-04-06.

Conditions:
Hereditary cancer-predisposing syndrome. Also called: Neoplastic Syndromes, Hereditary; Hereditary Cancer Syndrome; Tumor predisposition; Hereditary neoplastic syndrome. Identifiers: Orphanet 140162, MedGen C0027672, MeSH D009386, MONDO:0015356.
Multiple endocrine neoplasia, type 2 (MEN2). Identifiers: Orphanet 653, MedGen C4048306, MONDO:0019003. Disease mechanism: gain of function.

gnomAD v4.1: 1 of 1,614,168 alleles (0.000062%); highest among the groups gnomAD compares: Non-Finnish European, 0.000085%; no homozygotes.

Submissions (2):

Ambry Genetics
Classification: Uncertain significance for Hereditary cancer-predisposing syndrome. Last evaluated: 2025-04-06. Review status: criteria provided, single submitter. Criteria: Ambry Variant Classification Scheme 2023. Collection method: clinical testing. Allele origin: germline.
Comment: The p.S450G variant (also known as c.1348A>G), located in coding exon 7 of the RET gene, results from an A to G substitution at nucleotide position 1348. The serine at codon 450 is replaced by glycine, an amino acid with similar properties. This amino acid position is conserved. In addition, this alteration is predicted to be tolerated by in silico analysis. Based on the available evidence, the clinical significance of this variant remains unclear.

Labcorp Genetics (formerly Invitae), Labcorp
Classification: Uncertain significance for Multiple endocrine neoplasia, type 2. Last evaluated: 2015-06-25. Review status: criteria provided, single submitter. Criteria: Invitae Variant Classification Sherloc (09022015). Collection method: clinical testing. Allele origin: germline.
Comment: This variant has not been published in the literature and is not present in population databases. In summary, this is a novel missense change that is not predicted to affect protein function or cause disease. However, the evidence is insufficient at this time to prove that conclusively. It has been classified as a Variant of Uncertain Significance. Algorithms developed to predict the effect of missense changes on protein structure and function (SIFT, PolyPhen-2, Align-GVGD) all suggest that this variant is likely to be tolerated, but these predictions have not been confirmed by published functional studies. This sequence change replaces serine with glycine at codon 450 of the RET protein (p.Ser450Gly). The serine residue is moderately conserved and there is a small physicochemical difference between serine and glycine.